The following is an entry in ClinVar:

NM_001029896.2(WDR45):c.329T>C (p.Met110Thr)

Gene: WDR45 (WD repeat domain 45; minus strand). Cytogenetic location: Xp11.23.
Variant type: single nucleotide variant.
Coding change: c.329T>C on transcript NM_001029896.2 (MANE Select); coding-DNA position 329, T replaced by C.
Protein change: p.Met110Thr; replaces methionine 110 with threonine.
Molecular consequence: missense variant.
Genome position (GRCh38, 1-based): chrX:49,076,657, A>G on the plus strand (T>C on the coding strand, the complement: WDR45 is on the minus strand). VCF-style: chrX-49076657-A-G. GRCh37 (hg19) VCF-style: chrX-48934316-A-G.
Other names: c.332T>C, p.Met111Thr (NM_007075.4); short protein forms M111T, M110T.
Identifiers: ClinVar variation 4742899 (VCV004742899.1).

ClinVar aggregate classification (germline): Uncertain significance (1 of 4 stars; one submission).

Conditions:
Neurodegeneration with brain iron accumulation 5 (NBIA5). Also called: STATIC ENCEPHALOPATHY OF CHILDHOOD WITH NEURODEGENERATION IN ADULTHOOD; Beta-propeller protein-associated neurodegeneration. Identifiers: Orphanet 329284, MedGen C3550973, MONDO:0010476, OMIM 300894.

Submission:

Labcorp Genetics (formerly Invitae), Labcorp
Classification: Uncertain significance for Neurodegeneration with brain iron accumulation 5. Last evaluated: 2025-08-20. Review status: criteria provided, single submitter. Criteria: Invitae Variant Classification Sherloc (09022015). Collection method: clinical testing. Allele origin: germline.
Comment: This sequence change replaces methionine, which is neutral and non-polar, with threonine, which is neutral and polar, at codon 111 of the WDR45 protein (p.Met111Thr). This variant is present in population databases (rs372437815, gnomAD 0.008%). This variant has not been reported in the literature in individuals affected with WDR45-related conditions. Invitae Evidence Modeling of protein sequence and biophysical properties (such as structural, functional, and spatial information, amino acid conservation, physicochemical variation, residue mobility, and thermodynamic stability) indicates that this missense variant is not expected to disrupt WDR45 protein function with a negative predictive value of 80%. In summary, the available evidence is currently insufficient to determine the role of this variant in disease. Therefore, it has been classified as a Variant of Uncertain Significance.